The following is an entry in ClinVar:

NM_001991.5(EZH1):c.1328G>T (p.Arg443Leu)

Gene: EZH1 (enhancer of zeste 1 polycomb repressive complex 2 subunit; minus strand). Cytogenetic location: 17q21.2.
Variant type: single nucleotide variant.
Coding change: c.1328G>T on transcript NM_001991.5 (MANE Select); coding-DNA position 1328, G replaced by T.
Protein change: p.Arg443Leu; replaces arginine 443 with leucine.
Molecular consequence: missense variant.
Genome position (GRCh38, 1-based): chr17:42,712,362, C>A on the plus strand (G>T on the coding strand, the complement: EZH1 is on the minus strand). VCF-style: chr17-42712362-C-A. GRCh37 (hg19) VCF-style: chr17-40864380-C-A.
Other names: c.1346G>T, p.Arg449Leu (NM_001321079.2); c.1301G>T, p.Arg434Leu (NM_001321081.2); c.1208G>T, p.Arg403Leu (NM_001321082.2); short protein forms R403L, R434L, R443L, R449L.
Identifiers: ClinVar variation 4538697 (VCV004538697.1).

ClinVar aggregate classification (germline): Uncertain significance (1 of 4 stars; one submission).

Submission:

GeneDx
Classification: Uncertain significance. Last evaluated: 2025-06-18. Review status: criteria provided, single submitter. Criteria: GeneDx Variant Classification Process June 2021. Collection method: clinical testing. Allele origin: germline. Affected: yes.
Comment: Not observed at significant frequency in large population cohorts (gnomAD); In silico analysis supports that this missense variant has a deleterious effect on protein structure/function; Has not been previously published as pathogenic or benign to our knowledge